The following is an entry in ClinVar:

ClinVar aggregate classification (germline): Uncertain significance (1 of 4 stars; one submission).

Conditions:
Amyotrophic lateral sclerosis type 6. Also called: FUS-Related Amyotrophic Laterial Sclerosis; AMYOTROPHIC LATERAL SCLEROSIS 6 WITHOUT FRONTOTEMPORAL DEMENTIA; Amyotrophic lateral sclerosis 6, with or without frontotemporal dementia. Identifiers: Orphanet 275872, Orphanet 803, MedGen C2931786, MONDO:0011951, OMIM 608030.
Tremor, hereditary essential, 4 (ETM4). Identifiers: MedGen C3539195, MONDO:0013888, OMIM 614782.

Submission:

Labcorp Genetics (formerly Invitae), Labcorp
Classification: Uncertain significance for Tremor, hereditary essential, 4; Amyotrophic lateral sclerosis type 6. Last evaluated: 2024-05-31. Review status: criteria provided, single submitter. Criteria: Invitae Variant Classification Sherloc (09022015). Collection method: clinical testing. Allele origin: germline.
Comment: This variant, c.688_693del, results in the deletion of 2 amino acid(s) of the FUS protein (p.Gly230_Gly231del), but otherwise preserves the integrity of the reading frame. This variant is present in population databases (rs757651881, gnomAD 0.007%). This variant has been observed in individuals with amyotrophic lateral sclerosis (PMID: 32166880, 32729724; Invitae). This variant is also known as c.667_672del (p.223_224del). Experimental studies and prediction algorithms are not available or were not evaluated, and the functional significance of this variant is currently unknown. In summary, the available evidence is currently insufficient to determine the role of this variant in disease. Therefore, it has been classified as a Variant of Uncertain Significance.

Literature cited by the submitters: PubMed 32166880; PubMed 32729724.

NM_004960.4(FUS):c.685GGT[1] (p.Gly230_Gly231del)

Gene: FUS (FUS RNA binding protein; plus strand). Cytogenetic location: 16p11.2.
Variant type: Microsatellite.
Coding change: c.685GGT[1] on transcript NM_004960.4 (MANE Select); one copy of the 3-base unit GGT starting at c.685; the reference has three copies in a row; two copies, 6 bases deleted.
Protein change: p.Gly230_Gly231del.
Molecular consequence: inframe deletion. On other transcripts: non-coding transcript variant (1).
Genome position (GRCh38, 1-based): chr16:31,185,103-31,185,108, GGTGGT deleted; deleting any 6 consecutive bases within chr16:31,185,100-31,185,108 gives the same sequence; the position shown is the placement nearest the transcript's 3' end. VCF-style (leftmost placement, unchanged base first): chr16-31185099-CGGTGGT-C. GRCh37 (hg19) VCF-style: chr16-31196420-CGGTGGT-C.
Other names: c.682GGT[1], p.Gly229_Gly230del (NM_001170634.1); c.673GGT[1], p.Gly226_Gly227del (NM_001170937.1).
Identifiers: ClinVar variation 3760962 (VCV003760962.2).
Genomic context (GRCh38, chr16:31,185,099, plus strand): 5'-TGGACAGCAGGACCGTGGAGGCCGCGGCAGGGGTGGCAGTGGTGGCGGCGGCGGCGGCGG[CGGTGGT>C]GGTTACAACCGCAGCAGTGGTGGCTATGAACCCAGAGGTCGTGGAGGTGGCCGTGGAGGC-3'